The following is an entry in ClinVar:

NM_003737.4(DCHS1):c.6062G>A (p.Arg2021His)

Gene: DCHS1 (dachsous cadherin-related 1; minus strand). Cytogenetic location: 11p15.4.
Variant type: single nucleotide variant.
Coding change: c.6062G>A on transcript NM_003737.4 (MANE Select); coding-DNA position 6062, G replaced by A.
Protein change: p.Arg2021His; replaces arginine 2021 with histidine.
Molecular consequence: missense variant.
Genome position (GRCh38, 1-based): chr11:6,626,977, C>T on the plus strand (G>A on the coding strand, the complement: DCHS1 is on the minus strand). VCF-style: chr11-6626977-C-T. GRCh37 (hg19) VCF-style: chr11-6648208-C-T.
Other names: c.6062G>A (NM_003737.2); short protein forms R2021H.
Identifiers: ClinVar variation 1414510 (VCV001414510.8), dbSNP rs141121553, ClinGen allele CA5859968.

ClinVar aggregate classification (germline): Uncertain significance. Review status: criteria provided, multiple submitters, no conflicts (2 of 4 stars). 3 submissions from 3 submitters: Uncertain significance (3). Last evaluated 2026-06-02.

Conditions:
Inborn genetic diseases. Identifiers: MedGen C0950123, MeSH D030342.

Allele frequency attached by ClinVar (database versions not stated): TOPMed 0.00006; gnomAD exomes 0.00011 and 0.00010; ExAC 0.00012; gnomAD 0.00008 and 0.00010; ESP Exome Variant Server 0.00023; 1000 Genomes Project 30x 0.00016; 1000 Genomes Project 0.00020.

Submissions (3):

GeneDx
Classification: Uncertain significance. Last evaluated: 2026-06-02. Review status: criteria provided, single submitter. Criteria: GeneDx Variant Classification Process June 2021. Collection method: clinical testing. Allele origin: germline.
Comment: In silico analysis supports that this missense variant does not alter protein structure/function; Has not been previously published as pathogenic or benign to our knowledge

Labcorp Genetics (formerly Invitae), Labcorp
Classification: Uncertain significance. Last evaluated: 2026-02-01. Review status: criteria provided, single submitter. Criteria: Invitae Variant Classification Sherloc (09022015). Collection method: clinical testing. Allele origin: germline.
Comment: This sequence change replaces arginine, which is basic and polar, with histidine, which is basic and polar, at codon 2021 of the DCHS1 protein (p.Arg2021His). This variant is present in population databases (rs141121553, gnomAD 0.02%). This variant has not been reported in the literature in individuals affected with DCHS1-related conditions. ClinVar contains an entry for this variant (Variation ID: 1414510). Invitae Evidence Modeling of protein sequence and biophysical properties (such as structural, functional, and spatial information, amino acid conservation, physicochemical variation, residue mobility, and thermodynamic stability) indicates that this missense variant is not expected to disrupt DCHS1 protein function with a negative predictive value of 80%. In summary, the available evidence is currently insufficient to determine the role of this variant in disease. Therefore, it has been classified as a Variant of Uncertain Significance.

Ambry Genetics
Classification: Uncertain significance for Inborn genetic diseases. Last evaluated: 2022-05-02. Review status: criteria provided, single submitter. Criteria: Ambry Variant Classification Scheme 2023. Collection method: clinical testing. Allele origin: germline.